The following is an entry in ClinVar:

ClinVar aggregate classification (germline): Uncertain significance (1 of 4 stars; one submission).

Conditions:
Hereditary cancer-predisposing syndrome. Also called: Neoplastic Syndromes, Hereditary; Tumor predisposition; Hereditary Cancer Syndrome; Hereditary neoplastic syndrome. Identifiers: Orphanet 140162, MedGen C0027672, MeSH D009386, MONDO:0015356.

Allele frequency attached by ClinVar (database versions not stated): gnomAD exomes 0.00001.
gnomAD v4.1: 13 of 1,612,002 alleles (0.00081%); highest among the groups gnomAD compares: Non-Finnish European, 0.001%; no homozygotes.

Submission:

Ambry Genetics
Classification: Uncertain significance for Hereditary cancer-predisposing syndrome. Last evaluated: 2025-01-31. Review status: criteria provided, single submitter. Criteria: Ambry Variant Classification Scheme 2023. Collection method: clinical testing. Allele origin: germline.
Comment: The p.A68V variant (also known as c.203C>T), located in coding exon 1 of the ALK gene, results from a C to T substitution at nucleotide position 203. The alanine at codon 68 is replaced by valine, an amino acid with similar properties. This amino acid position is well conserved in available vertebrate species. In addition, this alteration is predicted to be tolerated by in silico analysis. Based on the available evidence, the clinical significance of this variant remains unclear.

NM_004304.5(ALK):c.203C>T (p.Ala68Val)

Gene: ALK (ALK receptor tyrosine kinase; minus strand). Cytogenetic location: 2p23.1.
Variant type: single nucleotide variant.
Coding change: c.203C>T on transcript NM_004304.5 (MANE Select); coding-DNA position 203, C replaced by T.
Protein change: p.Ala68Val; replaces alanine 68 with valine.
Molecular consequence: missense variant.
Genome position (GRCh38, 1-based): chr2:29,920,457, G>A on the plus strand (C>T on the coding strand, the complement: ALK is on the minus strand). VCF-style: chr2-29920457-G-A. GRCh37 (hg19) VCF-style: chr2-30143323-G-A.
Other names: short protein forms A68V.
Identifiers: ClinVar variation 1784874 (VCV001784874.3), dbSNP rs2465867227, ClinGen allele CA346590487.
Genomic context (GRCh38, chr2:29,920,457, plus strand): 5'-CGGGCCTCGGGCCTGCCAGCCTTCAGCTCCGAGGAGGATGGTGGCAGCAGTAGGTCCCGG[G>A]CGTAGACACGGAAGAGCGAGGGCACCACGAAGTCAACTGCCAGACTCTTCCTCTGCAGGC-3'
Protein context (NP_004295.2, residues 58-78): FVVPSLFRVY[Ala68Val]RDLLLPPSSS